The following is an entry in ClinVar:

ClinVar aggregate classification (germline): Likely benign. Review status: criteria provided, multiple submitters, no conflicts (2 of 4 stars). 2 submissions from 2 submitters: Likely benign (2). Last evaluated 2026-05-01.

Conditions:
Methylcobalamin deficiency type cblE (HMAE). Also called: HOMOCYSTINURIA-MEGALOBLASTIC ANEMIA, cblE TYPE; VITAMIN B12-RESPONSIVE HOMOCYSTINURIA, cblE TYPE; HOMOCYSTINURIA-MEGALOBLASTIC ANEMIA, cblE COMPLEMENTATION TYPE. Identifiers: Orphanet 2169, Orphanet 622, MedGen C1856057, MONDO:0009354, OMIM 236270.

Allele frequency attached by ClinVar (database versions not stated): TOPMed 0.00001; gnomAD exomes 0.00002.
gnomAD v4.1: 22 of 1,614,102 alleles (0.0014%); highest among the groups gnomAD compares: Non-Finnish European, 0.0019%; no homozygotes.

Submissions (2):

CeGaT Center for Human Genetics Tuebingen
Classification: Likely benign. Last evaluated: 2026-05-01. Review status: criteria provided, single submitter. Criteria: CeGaT Center For Human Genetics Tuebingen Variant Classification Criteria Version 2. Collection method: clinical testing. Allele origin: germline. Affected: yes. Observed: 1 variant allele.
Comment: MTRR: BP4, BP7

Labcorp Genetics (formerly Invitae), Labcorp
Classification: Likely benign for Methylcobalamin deficiency type cblE. Last evaluated: 2023-08-28. Review status: criteria provided, single submitter. Criteria: Invitae Variant Classification Sherloc (09022015). Collection method: clinical testing. Allele origin: germline.

NM_002454.3(MTRR):c.735A>G (p.Leu245=)

Gene: MTRR (5-methyltetrahydrofolate-homocysteine methyltransferase reductase; plus strand). Cytogenetic location: 5p15.31.
Variant type: single nucleotide variant.
Coding change: c.735A>G on transcript NM_002454.3 (MANE Select); coding-DNA position 735, A replaced by G.
Protein change: p.Leu245=; no amino-acid change (leucine 245 retained).
Molecular consequence: synonymous variant. On other transcripts: non-coding transcript variant (14).
Genome position (GRCh38, 1-based): chr5:7,878,277, A>G. VCF-style: chr5-7878277-A-G. GRCh37 (hg19) VCF-style: chr5-7878390-A-G.
Other names: c.735A>G, p.Leu245= (NM_001364440.2, NM_001364441.2, NM_001364442.2 and 1 more transcripts).
Identifiers: ClinVar variation 1132783 (VCV001132783.11), dbSNP rs1343821146, ClinGen allele CA443248143.